The following is an entry in ClinVar:

ClinVar aggregate classification (germline): Likely pathogenic (1 of 4 stars; one submission).

Conditions:
Leukoencephalopathy-thalamus and brainstem anomalies-high lactate syndrome. Also called: LEUKOENCEPHALOPATHY WITH THALAMUS AND BRAINSTEM INVOLVEMENT AND HIGH LACTATE; Combined oxidative phosphorylation deficiency 12. Identifiers: Orphanet 314051, MedGen C4706421, MONDO:0013971, OMIM 614924.

Submission:

Juno Genomics, Hangzhou Juno Genomics, Inc
Classification: Likely pathogenic for Leukoencephalopathy-thalamus and brainstem anomalies-high lactate syndrome. Review status: criteria provided, single submitter. Criteria: ACMG Guidelines, 2015. Collection method: clinical testing. Allele origin: germline.
Comment: Absent from controls (or at extremely low frequency if recessive) in Genome Aggregation Database.;Null variant in a gene where loss of function (LOF) is a known mechanism of disease.

NM_001083614.2(EARS2):c.526dup (p.Ala176fs)

Gene: EARS2 (glutamyl-tRNA synthetase 2, mitochondrial; minus strand). Cytogenetic location: 16p12.2.
Variant type: Duplication.
Coding change: c.526dup on transcript NM_001083614.2 (MANE Select); coding-DNA position 526, one base duplicated (G; older notation c.526dupG).
Protein change: p.Ala176fs; shifts the reading frame from alanine 176.
Molecular consequence: frameshift variant. On other transcripts: non-coding transcript variant (1).
Genome position (GRCh38, 1-based): chr16:23,535,320, C duplicated on the plus strand (G on the coding strand, the reverse complement: EARS2 is on the minus strand); the first of 2 consecutive C bases (chr16:23,535,320-23,535,321); duplicating either gives the same sequence. VCF-style (leftmost placement, unchanged base first): chr16-23535319-G-GC. GRCh37 (hg19) VCF-style: chr16-23546640-G-GC.
Other names: c.526dup, p.Ala176fs (NM_001308211.1); short protein forms A176fs.
Identifiers: ClinVar variation 5019580 (VCV005019580.2).